The following is an entry in ClinVar:

ClinVar aggregate classification (germline): Uncertain significance. Review status: criteria provided, multiple submitters, no conflicts (2 of 4 stars). 6 submissions from 6 submitters: Uncertain significance (5). 1 of the submissions does not count toward it. Last evaluated 2025-12-08.

Conditions:
COL9A2-related disorder. Also called: COL9A2-related condition.
Connective tissue disorder. Also called: Connective tissue disease. Identifiers: MedGen C0009782, MONDO:0003900.
Inborn genetic diseases. Identifiers: MedGen C0950123, MeSH D030342.

Allele frequency attached by ClinVar (database versions not stated): TOPMed 0.00005; ExAC 0.00007; gnomAD 0.00007; 1000 Genomes Project 30x 0.00016; 1000 Genomes Project 0.00020.

Submissions (6):

Labcorp Genetics (formerly Invitae), Labcorp
Classification: Uncertain significance. Last evaluated: 2025-12-08. Review status: criteria provided, single submitter. Criteria: Invitae Variant Classification Sherloc (09022015). Collection method: clinical testing. Allele origin: germline.
Comment: This sequence change replaces proline, which is neutral and non-polar, with leucine, which is neutral and non-polar, at codon 354 of the COL9A2 protein (p.Pro354Leu). This variant is present in population databases (rs201772619, gnomAD 0.06%). This variant has not been reported in the literature in individuals affected with COL9A2-related conditions. ClinVar contains an entry for this variant (Variation ID: 1173040). Invitae Evidence Modeling of protein sequence and biophysical properties (such as structural, functional, and spatial information, amino acid conservation, physicochemical variation, residue mobility, and thermodynamic stability) indicates that this missense variant is not expected to disrupt COL9A2 protein function with a negative predictive value of 95%. In summary, the available evidence is currently insufficient to determine the role of this variant in disease. Therefore, it has been classified as a Variant of Uncertain Significance.

Ambry Genetics
Classification: Uncertain significance for Inborn genetic diseases. Last evaluated: 2025-11-20. Review status: criteria provided, single submitter. Criteria: Ambry Variant Classification Scheme 2023. Collection method: clinical testing. Allele origin: germline.

CeGaT Center for Human Genetics Tuebingen
Classification: Uncertain significance. Last evaluated: 2025-08-01. Review status: criteria provided, single submitter. Criteria: CeGaT Center For Human Genetics Tuebingen Variant Classification Criteria Version 2. Collection method: clinical testing. Allele origin: germline. Affected: yes. Observed: 1 variant allele.
Comment: COL9A2: PM2

Genome Diagnostics Laboratory, The Hospital for Sick Children
Classification: Uncertain significance for Connective tissue disorder. Last evaluated: 2020-07-15. Review status: criteria provided, single submitter. Criteria: ACMG Guidelines, 2015. Collection method: clinical testing. Allele origin: germline.

GeneDx
Classification: Uncertain significance. Last evaluated: 2020-03-18. Review status: criteria provided, single submitter. Criteria: GeneDx Variant Classification (06012015). Collection method: clinical testing. Allele origin: germline. Affected: yes.
Comment: Has not been previously published as pathogenic or benign to our knowledge In silico analysis supports that this missense variant does not alter protein structure/function

PreventionGenetics, part of Exact Sciences
Classification: Uncertain significance for COL9A2-related condition. Last evaluated: 2023-12-12. Review status: no assertion criteria provided. Collection method: clinical testing. Allele origin: germline. Not counted in ClinVar's aggregate classification.
Comment: The COL9A2 c.1061C>T variant is predicted to result in the amino acid substitution p.Pro354Leu. To our knowledge, this variant has not been reported in the literature. This variant is reported in 0.068% of alleles in individuals of Ashkenazi Jewish descent in gnomAD. At this time, the clinical significance of this variant is uncertain due to the absence of conclusive functional and genetic evidence.

NM_001852.4(COL9A2):c.1061C>T (p.Pro354Leu)

Gene: COL9A2 (collagen type IX alpha 2 chain; minus strand). Cytogenetic location: 1p34.2.
Variant type: single nucleotide variant.
Coding change: c.1061C>T on transcript NM_001852.4 (MANE Select); coding-DNA position 1061, C replaced by T.
Protein change: p.Pro354Leu; replaces proline 354 with leucine.
Molecular consequence: missense variant.
Genome position (GRCh38, 1-based): chr1:40,305,761, G>A on the plus strand (C>T on the coding strand, the complement: COL9A2 is on the minus strand). VCF-style: chr1-40305761-G-A. GRCh37 (hg19) VCF-style: chr1-40771433-G-A.
Other names: short protein forms P354L.
Identifiers: ClinVar variation 1173040 (VCV001173040.22), dbSNP rs201772619, ClinGen allele CA791604.
Genomic context (GRCh38, chr1:40,305,761, plus strand): 5'-CAGGGGGCATTTACCTCTTTCCCAGGGGGACCAGAGAATCCAGGAAGGCCCTGCGGGCCC[G>A]GCTCACCCTGCAGGAAAACAGTTCTCAGGTCAGTCTGGGTGGCCCAGTCAGGCCCTTGGC-3'
Protein context (NP_001843.1, residues 344-364): TKGGPGDQGE[Pro354Leu]GPQGLPGFSG